The following is an entry in ClinVar:

NM_006030.4(CACNA2D2):c.1811A>G (p.Lys604Arg)

Gene: CACNA2D2 (calcium voltage-gated channel auxiliary subunit alpha2delta 2; minus strand). Cytogenetic location: 3p21.31.
Variant type: single nucleotide variant.
Coding change: c.1811A>G on transcript NM_006030.4 (MANE Select); coding-DNA position 1811, A replaced by G.
Protein change: p.Lys604Arg; replaces lysine 604 with arginine.
Molecular consequence: missense variant.
Genome position (GRCh38, 1-based): chr3:50,375,843, T>C on the plus strand (A>G on the coding strand, the complement: CACNA2D2 is on the minus strand). VCF-style: chr3-50375843-T-C. GRCh37 (hg19) VCF-style: chr3-50413274-T-C.
Other names: c.1811A>G, p.Lys604Arg (NM_001005505.3, NM_001174051.3); c.1604A>G, p.Lys535Arg (NM_001291101.1); short protein forms K535R, K604R.
Identifiers: ClinVar variation 1008573 (VCV001008573.3), dbSNP rs767025665, ClinGen allele CA2418721.
Genomic context (GRCh38, chr3:50,375,843, plus strand): 5'-CCTGGCCCCCAGCCCTGCCTCCTTACCTCATCCAGGGACTTGACCAACGTTCTGATCTGC[T>C]TGTGGCCCTTGTTGCCATCAATCATGCTCCGACGGATCTGGAAGGGCCAGAGATGTGAGG-3'
Protein context (NP_006021.2, residues 594-614): RSMIDGNKGH[Lys604Arg]QIRTLVKSLD

ClinVar aggregate classification (germline): Uncertain significance (1 of 4 stars; one submission).

Conditions:
Developmental and epileptic encephalopathy. Identifiers: MedGen C5779964, MONDO:0100620.

Allele frequency attached by ClinVar (database versions not stated): gnomAD 0.00001; gnomAD exomes 0.00001; ExAC 0.00002; TOPMed 0.00002.
gnomAD v4.1: 14 of 1,612,952 alleles (0.00087%); highest among the groups gnomAD compares: South Asian, 0.0066%; no homozygotes.

Submission:

Labcorp Genetics (formerly Invitae), Labcorp
Classification: Uncertain significance for Early-infantile DEE. Last evaluated: 2021-09-02. Review status: criteria provided, single submitter. Criteria: Invitae Variant Classification Sherloc (09022015). Collection method: clinical testing. Allele origin: germline.
Comment: This sequence change replaces lysine with arginine at codon 604 of the CACNA2D2 protein (p.Lys604Arg). The lysine residue is moderately conserved and there is a small physicochemical difference between lysine and arginine. This variant is present in population databases (rs767025665, ExAC 0.01%). This variant has not been reported in the literature in individuals affected with CACNA2D2-related conditions. Algorithms developed to predict the effect of missense changes on protein structure and function output the following: SIFT: "Tolerated"; PolyPhen-2: "Benign"; Align-GVGD: "Class C0". The arginine amino acid residue is found in multiple mammalian species, which suggests that this missense change does not adversely affect protein function. In summary, the available evidence is currently insufficient to determine the role of this variant in disease. Therefore, it has been classified as a Variant of Uncertain Significance.